The following is an entry in ClinVar:

NM_000515.5(GH1):c.125G>A (p.Arg42His)

Genes: GH-LCR (growth hormone locus control region; plus strand), GH1 (growth hormone 1; minus strand). Cytogenetic location: 17q23.3.
Variant type: single nucleotide variant.
Coding change: c.125G>A on transcript NM_000515.5 (MANE Select); coding-DNA position 125, G replaced by A.
Protein change: p.Arg42His; replaces arginine 42 with histidine.
Molecular consequence: missense variant.
Genome position (GRCh38, 1-based): chr17:63,918,392, C>T on the plus strand (G>A on the coding strand, the complement: GH1 is on the minus strand). VCF-style: chr17-63918392-C-T. GRCh37 (hg19) VCF-style: chr17-61995752-C-T.
Other names: c.125G>A, p.Arg42His (NM_022559.4, NM_022560.4); short protein forms R42H.
Identifiers: ClinVar variation 2710527 (VCV002710527.3), dbSNP rs371953554, ClinGen allele CA8708351.

ClinVar aggregate classification (germline): Uncertain significance (1 of 4 stars; one submission).

Allele frequency attached by ClinVar (database versions not stated): gnomAD 0.00003; TOPMed 0.00003.

Submission:

Labcorp Genetics (formerly Invitae), Labcorp
Classification: Uncertain significance. Last evaluated: 2023-12-02. Review status: criteria provided, single submitter. Criteria: Invitae Variant Classification Sherloc (09022015). Collection method: clinical testing. Allele origin: germline.
Comment: This sequence change replaces arginine, which is basic and polar, with histidine, which is basic and polar, at codon 42 of the GH1 protein (p.Arg42His). This variant is present in population databases (rs371953554, gnomAD 0.01%). This variant has not been reported in the literature in individuals affected with GH1-related conditions. An algorithm developed to predict the effect of missense changes on protein structure and function (PolyPhen-2) suggests that this variant is likely to be tolerated. In summary, the available evidence is currently insufficient to determine the role of this variant in disease. Therefore, it has been classified as a Variant of Uncertain Significance.